The following is an entry in ClinVar:

NM_001267550.2(TTN):c.415C>T (p.Arg139Trp)

Gene: TTN (titin; minus strand). Cytogenetic location: 2q31.2.
Variant type: single nucleotide variant.
Coding change: c.415C>T on transcript NM_001267550.2 (MANE Select); coding-DNA position 415, C replaced by T.
Protein change: p.Arg139Trp; replaces arginine 139 with tryptophan.
Molecular consequence: missense variant.
Genome position (GRCh38, 1-based): chr2:178,800,563, G>A on the plus strand (C>T on the coding strand, the complement: TTN is on the minus strand). VCF-style: chr2-178800563-G-A. GRCh37 (hg19) VCF-style: chr2-179665290-G-A.
Other names: p.R139W:CGG>TGG; p.Arg139Trp; c.415C>T, p.Arg139Trp (NM_001256850.1, NM_003319.4, NM_133378.4 and 3 more transcripts); short protein forms R139W.
Identifiers: ClinVar variation 203246 (VCV000203246.42), dbSNP rs752970602, ClinGen allele CA311794.

ClinVar aggregate classification (germline): Conflicting classifications of pathogenicity. Review status: criteria provided, conflicting classifications (1 of 4 stars). 13 submissions from 13 submitters: Likely pathogenic (1); Uncertain significance (9); Likely benign (2). 1 of the submissions does not count toward it. Last evaluated 2026-07-17.

Conditions:
TTN-related disorder. Also called: TTN-related disorders; TTN-related condition; TTN-related disease.
Cardiovascular phenotype. Identifiers: MedGen CN230736.
Autosomal recessive limb-girdle muscular dystrophy type 2J (LGMDR10). Also called: Limb-girdle muscular dystrophy, type 2J; MUSCULAR DYSTROPHY, LIMB-GIRDLE, AUTOSOMAL RECESSIVE 10. Identifiers: Orphanet 140922, MedGen C1837342, MONDO:0012127, OMIM 608807.
Dilated cardiomyopathy 1G (CMD1G). Identifiers: Orphanet 154, MedGen C1858763, MONDO:0011400, OMIM 604145.
Myopathy, myofibrillar, 9, with early respiratory failure (MFM9). Also called: Hereditary myopathy with early respiratory failure; EDSTROM MYOPATHY; MYOPATHY, PROXIMAL, WITH EARLY RESPIRATORY MUSCLE INVOLVEMENT; Myopathy, distal, with early respiratory failure, autosomal dominant. Identifiers: Orphanet 178464, Orphanet 34521, MedGen C1863599, MONDO:0011362, OMIM 603689.
Tibial muscular dystrophy (TMD). Also called: Tibial muscular dystrophy, tardive; UDD MYOPATHY; Udd Distal Myopathy – Tibial Muscular Dystrophy. Identifiers: Orphanet 609, MedGen C1838244, MONDO:0010870, OMIM 600334.
Hypertrophic cardiomyopathy 9. Also called: Familial hypertrophic cardiomyopathy 9. Identifiers: MedGen C1861065, MONDO:0013412, OMIM 613765.
Early-onset myopathy with fatal cardiomyopathy (CMYO5). Also called: Salih Myopathy; CONGENITAL MYOPATHY 5 WITH CARDIOMYOPATHY. Identifiers: Orphanet 289377, MedGen C2673677, MONDO:0012714, OMIM 611705. Disease mechanism: loss of function.
Cardiomyopathy (CMYO). Also called: Cardiomyopathies. Identifiers: Orphanet 167848, MedGen C0878544, MONDO:0004994, HP:0001638. Inheritance: Various modes of inheritance.
Tip-toe gait. Also called: Toe walking. Identifiers: MedGen C0427144, HP:0030051.

Allele frequency attached by ClinVar (database versions not stated): TOPMed 0.00004; gnomAD 0.00005; ExAC 0.00007.
gnomAD v4.1: 172 of 1,613,988 alleles (0.011%); highest among the groups gnomAD compares: Non-Finnish European, 0.013%; no homozygotes.

Submissions (13):

PreventionGenetics, part of Exact Sciences
Classification: Uncertain significance for TTN-related condition. Last evaluated: 2026-07-17. Review status: criteria provided, single submitter. Criteria: ACMG Guidelines, 2015. Collection method: clinical testing. Allele origin: germline.
Comment: The TTN c.415C>T variant is predicted to result in the amino acid substitution p.Arg139Trp. To our knowledge, this variant has not been reported in the literature. This variant is reported in 0.016% of alleles in individuals of European (Non-Finnish) descent in gnomAD. Although we suspect that this variant may be benign, at this time, the clinical significance of this variant is uncertain due to the absence of conclusive functional and genetic evidence.

CeGaT Center for Human Genetics Tuebingen
Classification: Uncertain significance. Last evaluated: 2026-07-01. Review status: criteria provided, single submitter. Criteria: CeGaT Center For Human Genetics Tuebingen Variant Classification Criteria Version 2. Collection method: clinical testing. Allele origin: germline. Affected: yes. Observed: 2 variant alleles.

Molecular Diagnostic Laboratory for Inherited Cardiovascular Disease, Montreal Heart Institute
Classification: Likely benign. Last evaluated: 2025-04-09. Review status: criteria provided, single submitter. Criteria: ACMG Guidelines, 2015. Collection method: clinical testing. Allele origin: germline. Affected: no.

Blueprint Genetics
Classification: Likely benign. Last evaluated: 2024-11-05. Review status: criteria provided, single submitter. Criteria: ACMG Guidelines, 2015. Collection method: clinical testing. Allele origin: germline.

Mayo Clinic Laboratories, Mayo Clinic
Classification: Uncertain significance. Last evaluated: 2022-06-17. Review status: criteria provided, single submitter. Criteria: ACMG Guidelines, 2015. Collection method: clinical testing. Allele origin: germline. Observed: 3 variant alleles.

Women's Health and Genetics/Laboratory Corporation of America, LabCorp
Classification: Uncertain significance. Last evaluated: 2022-01-30. Review status: criteria provided, single submitter. Criteria: LabCorp Variant Classification Summary - May 2015. Collection method: clinical testing. Allele origin: germline.
Comment: Variant summary: TTN c.415C>T (p.Arg139Trp) results in a non-conservative amino acid change located in the Z-disk band region of the encoded protein sequence. Three of five in-silico tools predict a damaging effect of the variant on protein function. The variant allele was found at a frequency of 8.4e-05 in 251268 control chromosomes. This frequency is not significantly higher than expected for a pathogenic variant in TTN causing Dilated Cardiomyopathy (8.4e-05 vs 0.00039), allowing no conclusion about variant significance. To our knowledge, no occurrence of c.415C>T in individuals affected with Dilated Cardiomyopathy and no experimental evidence demonstrating its impact on protein function have been reported. At-least one co-occurrence with another pathogenic variant(s) has been observed at our laboratory (MYH7 c.2722C>G, p.Leu908Val), providing supporting evidence for a benign role. Four clinical diagnostic laboratories have submitted clinical-significance assessments for this variant to ClinVar after 2014 without evidence for independent evaluation. All laboratories classified the variant as uncertain significance. Based on the evidence outlined above, the variant was classified as uncertain significance.

Practice for Gait Abnormalities, David Pomarino, Competency Network Toe Walking C/o Practice Pomarino
Classification: Likely pathogenic for Tip-toe gait. Last evaluated: 2021-10-21. Review status: criteria provided, single submitter. Criteria: Pomarino et al. (Glob Med Genet. 2026). Collection method: clinical testing. Allele origin: germline. Affected: yes.
Comment: The TTN gene is associated with several inherited muscle disorders, including Udd distal myopathy, also known as tibial muscular dystrophy. This disorder is characterized by weakness of ankle dorsiflexion, difficulty or inability to walk on the heels, and, with disease progression, weakness of the long toe extensors and foot drop. These findings concern lower-limb function and gait and are relevant to the clinical assessment of TTN-associated muscle disorders. The association of TTN with tibial muscular dystrophy and other inherited myopathies provides the disease-related context for evaluating TTN variants in patients presenting with gait abnormalities and lower-limb functional findings. The clinical observations described above are relevant to this assessment.

Fulgent Genetics
Classification: Uncertain significance for Tibial muscular dystrophy; Myopathy, myofibrillar, 9, with early respiratory failure; Dilated cardiomyopathy 1G; Autosomal recessive limb-girdle muscular dystrophy type 2J; Early-onset myopathy with fatal cardiomyopathy; Hypertrophic cardiomyopathy 9. Last evaluated: 2021-07-22. Review status: criteria provided, single submitter. Criteria: ACMG Guidelines, 2015. Collection method: clinical testing. Allele origin: unknown.

CHEO Genetics Diagnostic Laboratory, Children's Hospital of Eastern Ontario
Classification: Uncertain significance for Cardiomyopathy. Last evaluated: 2019-12-23. Review status: criteria provided, single submitter. Criteria: ACMG Guidelines, 2015. Collection method: clinical testing. Allele origin: germline.

Ambry Genetics
Classification: Uncertain significance for Cardiovascular phenotype. Last evaluated: 2018-04-04. Review status: criteria provided, single submitter. Criteria: Ambry Variant Classification Scheme 2023. Collection method: clinical testing. Allele origin: germline.
Comment: The p.R139W variant (also known as c.415C>T), located in coding exon 3 of the TTN gene, results from a C to T substitution at nucleotide position 415. The arginine at codon 139 is replaced by tryptophan, an amino acid with dissimilar properties. This amino acid position is highly conserved in available vertebrate species. In addition, the in silico prediction for this alteration is inconclusive. Since supporting evidence is limited at this time, the clinical significance of this variant remains unclear.

GeneDx
Classification: Uncertain significance. Last evaluated: 2017-12-13. Review status: criteria provided, single submitter. Criteria: GeneDx Variant Classification (06012015). Collection method: clinical testing. Allele origin: germline. Affected: yes.
Comment: Missense variants in the TTN gene are considered 'unclassified' if they are not previously reported in the literature and do not have >1% frequency in the population to be considered a polymorphism. Research indicates that truncating variants in the TTN gene are expected to account for approximately 25% of familial and 18% of sporadic idiopathic DCM; however, truncating variants in the TTN gene have been reported in approximately 3% of reported control alleles. There has been little investigation into non-truncating variants. (Herman D et al. Truncations of titin causing dilated cardiomyopathy. N Eng J Med 366:619-628, 2012). Therefore, based on the currently available information, it is unclear whether this variant is a pathogenic variant or a rare benign variant.

Labcorp Genetics (formerly Invitae), Labcorp
Classification: Uncertain significance for Dilated cardiomyopathy 1G; Autosomal recessive limb-girdle muscular dystrophy type 2J. Last evaluated: 2017-02-21. Review status: criteria provided, single submitter. Criteria: Invitae Variant Classification Sherloc (09022015). Collection method: clinical testing. Allele origin: germline.

Zotz-Klimas Genetics Lab, MVZ Zotz Klimas
Classification: Uncertain significance for Hypertrophic cardiomyopathy 9. Last evaluated: 2023-10-30. Review status: no assertion criteria provided. Collection method: clinical testing. Allele origin: germline. Affected: yes. Not counted in ClinVar's aggregate classification.

Literature cited by the submitters: PubMed 37091313 (cited by Practice for Gait Abnormalities, David Pomarino, Competency Network Toe Walking C/o Practice Pomarino); PubMed 42598074 (cited by Practice for Gait Abnormalities, David Pomarino, Competency Network Toe Walking C/o Practice Pomarino).